The following is an entry in ClinVar:

ClinVar aggregate classification (germline): Uncertain significance (1 of 4 stars; one submission).

Conditions:
Autosomal recessive limb-girdle muscular dystrophy type 2A (LGMDR1). Also called: LEYDEN-MOEBIUS MUSCULAR DYSTROPHY; MUSCULAR DYSTROPHY, PELVOFEMORAL; Limb-girdle muscular dystrophy, type 2A; Calpainopathy; Muscular dystrophy, limb-girdle, type 2A, Amish. Identifiers: Orphanet 267, MedGen C1869123, MONDO:0009675, OMIM 253600. Disease mechanism: loss of function.

Submission:

Labcorp Genetics (formerly Invitae), Labcorp
Classification: Uncertain significance for Autosomal recessive limb-girdle muscular dystrophy type 2A. Last evaluated: 2024-05-28. Review status: criteria provided, single submitter. Criteria: Invitae Variant Classification Sherloc (09022015). Collection method: clinical testing. Allele origin: germline.
Comment: This sequence change replaces valine, which is neutral and non-polar, with leucine, which is neutral and non-polar, at codon 811 of the CAPN3 protein (p.Val811Leu). This variant is not present in population databases (gnomAD no frequency). This variant has not been reported in the literature in individuals affected with CAPN3-related conditions. Advanced modeling of protein sequence and biophysical properties (such as structural, functional, and spatial information, amino acid conservation, physicochemical variation, residue mobility, and thermodynamic stability) has been performed at Invitae for this missense variant, however the output from this modeling did not meet the statistical confidence thresholds required to predict the impact of this variant on CAPN3 protein function. In summary, the available evidence is currently insufficient to determine the role of this variant in disease. Therefore, it has been classified as a Variant of Uncertain Significance.

NM_000070.3(CAPN3):c.2431G>C (p.Val811Leu)

Gene: CAPN3 (calpain 3; plus strand). Cytogenetic location: 15q15.1.
Variant type: single nucleotide variant.
Coding change: c.2431G>C on transcript NM_000070.3 (MANE Select); coding-DNA position 2431, G replaced by C.
Protein change: p.Val811Leu; replaces valine 811 with leucine.
Molecular consequence: missense variant.
Genome position (GRCh38, 1-based): chr15:42,411,337, G>C. VCF-style: chr15-42411337-G-C. GRCh37 (hg19) VCF-style: chr15-42703535-G-C.
Other names: c.436G>C, p.Val146Leu (NM_173090.2, NM_173089.2); c.2413G>C, p.Val805Leu (NM_024344.2); c.2155G>C, p.Val719Leu (NM_173087.2); c.895G>C, p.Val299Leu (NM_173088.2); short protein forms V299L, V805L, V146L, V719L, V811L.
Identifiers: ClinVar variation 3654894 (VCV003654894.2).